The following is an entry in ClinVar:

ClinVar aggregate classification (germline): Benign/Likely benign. Review status: criteria provided, multiple submitters, no conflicts (2 of 4 stars). 3 submissions from 3 submitters: Benign (1); Likely benign (2). Last evaluated 2025-09-10.

Conditions:
Ataxia-telangiectasia syndrome (AT). Also called: Cerebello-oculocutaneous telangiectasia; Immunodeficiency with ataxia telangiectasia; Ataxia-telangiectasia, complementation group E; Ataxia telangiectasia (A-T); AT, COMPLEMENTATION GROUP C; ATAXIA-TELANGIECTASIA, COMPLEMENTATION GROUP A. Identifiers: Orphanet 100, MedGen C0004135, MONDO:0008840, OMIM 208900.
Familial cancer of breast. Also called: Hereditary breast cancer; hereditary breast carcinoma; BREAST CANCER, FAMILIAL. Identifiers: Orphanet 227535, MedGen C0346153, MONDO:0016419, OMIM 114480. Disease mechanism: loss of function.
Hereditary cancer-predisposing syndrome. Also called: Hereditary Cancer Syndrome; Tumor predisposition; Neoplastic Syndromes, Hereditary; Hereditary neoplastic syndrome. Identifiers: Orphanet 140162, MedGen C0027672, MeSH D009386, MONDO:0015356.

Allele frequency attached by ClinVar (database versions not stated): gnomAD 0.00001; TOPMed 0.00001.
gnomAD v4.1: 1 of 1,613,640 alleles (0.000062%); highest among the groups gnomAD compares: African/African-American, 0.0013%; no homozygotes.

Submissions (3):

Ambry Genetics
Classification: Likely benign for Hereditary cancer-predisposing syndrome. Last evaluated: 2025-09-10. Review status: criteria provided, single submitter. Criteria: Ambry Variant Classification Scheme 2023. Collection method: clinical testing. Allele origin: germline.

Myriad Genetics, Inc.
Classification: Benign for Familial cancer of breast. Last evaluated: 2024-04-19. Review status: criteria provided, single submitter. Criteria: Myriad Autosomal Dominant, Autosomal Recessive and X-Linked Classification Criteria (2023). Collection method: clinical testing. Allele origin: unknown.
Comment: This variant is considered benign. This variant is a silent/synonymous amino acid change and it is not expected to impact splicing.

Labcorp Genetics (formerly Invitae), Labcorp
Classification: Likely benign for Ataxia-telangiectasia syndrome. Last evaluated: 2023-08-07. Review status: criteria provided, single submitter. Criteria: Invitae Variant Classification Sherloc (09022015). Collection method: clinical testing. Allele origin: germline.

NM_000051.4(ATM):c.444C>T (p.Asp148=)

Gene: ATM (ATM serine/threonine kinase; plus strand). Cytogenetic location: 11q22.3.
Variant type: single nucleotide variant.
Coding change: c.444C>T on transcript NM_000051.4 (MANE Select); coding-DNA position 444, C replaced by T.
Protein change: p.Asp148=; no amino-acid change (aspartic acid 148 retained).
Molecular consequence: synonymous variant.
Genome position (GRCh38, 1-based): chr11:108,235,782, C>T. VCF-style: chr11-108235782-C-T. GRCh37 (hg19) VCF-style: chr11-108106509-C-T.
Other names: c.444C>T, p.Asp148= (NM_001351834.2).
Identifiers: ClinVar variation 2903830 (VCV002903830.5), dbSNP rs1366705330, ClinGen allele CA476670404.